The following is an entry in ClinVar:

NM_000322.5(PRPH2):c.303C>T (p.Tyr101=)

Gene: PRPH2 (peripherin 2; minus strand). Cytogenetic location: 6p21.1.
Variant type: single nucleotide variant.
Coding change: c.303C>T on transcript NM_000322.5 (MANE Select); coding-DNA position 303, C replaced by T.
Protein change: p.Tyr101=; no amino-acid change (tyrosine 101 retained).
Molecular consequence: synonymous variant.
Genome position (GRCh38, 1-based): chr6:42,722,032, G>A on the plus strand (C>T on the coding strand, the complement: PRPH2 is on the minus strand). VCF-style: chr6-42722032-G-A. GRCh37 (hg19) VCF-style: chr6-42689770-G-A.
Identifiers: ClinVar variation 98659 (VCV000098659.2), dbSNP rs61755776, ClinGen allele CA226220.

ClinVar aggregate classification (germline): Uncertain significance. Review status: no assertion criteria provided (0 of 4 stars). 2 submissions from 2 submitters: Uncertain significance (1). 1 of the submissions does not count toward it. Last evaluated 2021-04-06.

Submissions (2):

Leiden Open Variation Database
Classification: Uncertain significance. Last evaluated: 2021-04-06. Review status: no assertion criteria provided. Collection method: curation. Allele origin: germline. Affected: yes.
Comment: Curator: Global Variome, with Curator vacancy. Submitter to LOVD: Manon Peeters.

Retina International
No classification provided. Review status: no classification provided. Collection method: not provided. Allele origin: not provided. Not counted in ClinVar's aggregate classification.

Literature cited by the submitters: PubMed 9331261 (cited by Leiden Open Variation Database).